The following is an entry in ClinVar:

NM_198525.3(KIF7):c.1730G>A (p.Gly577Asp)

Gene: KIF7 (kinesin family member 7; minus strand). Cytogenetic location: 15q26.1.
Variant type: single nucleotide variant.
Coding change: c.1730G>A on transcript NM_198525.3 (MANE Select); coding-DNA position 1730, G replaced by A.
Protein change: p.Gly577Asp; replaces glycine 577 with aspartic acid.
Molecular consequence: missense variant.
Genome position (GRCh38, 1-based): chr15:89,646,888, C>T on the plus strand (G>A on the coding strand, the complement: KIF7 is on the minus strand). VCF-style: chr15-89646888-C-T. GRCh37 (hg19) VCF-style: chr15-90190119-C-T.
Other names: short protein forms G577D.
Identifiers: ClinVar variation 2142233 (VCV002142233.2), dbSNP rs963468113, ClinGen allele CA274581746.

ClinVar aggregate classification (germline): Uncertain significance. Review status: criteria provided, multiple submitters, no conflicts (2 of 4 stars). 2 submissions from 2 submitters: Uncertain significance (2). Last evaluated 2024-04-25.

Conditions:
Acrocallosal syndrome (ACLS). Also called: HALLUX DUPLICATION, POSTAXIAL POLYDACTYLY, AND ABSENCE OF CORPUS CALLOSUM; Schinzel syndrome 1; Absence of corpus callosum with unusual facial appearance, mental deficiency, duplication of the halluces and polydactyly. Identifiers: Orphanet 36, MedGen C0796147, MONDO:0008708, OMIM 200990.
Hydrolethalus syndrome 2 (HLS2). Identifiers: Orphanet 2189, MedGen C3279899, MONDO:0013585, OMIM 614120.
Multiple epiphyseal dysplasia, Al-Gazali type. Also called: Macrocephaly with multiple epiphyseal dysplasia and distinctive facies. Identifiers: Orphanet 166024, MedGen C1846722, MONDO:0011778, OMIM 607131.

Allele frequency attached by ClinVar (database versions not stated): TOPMed below 0.00001; gnomAD exomes 0.00002.
gnomAD v4.1: 31 of 1,614,128 alleles (0.0019%); highest among the groups gnomAD compares: Non-Finnish European, 0.0025%; no homozygotes.

Submissions (2):

Fulgent Genetics
Classification: Uncertain significance for Acrocallosal syndrome; Multiple epiphyseal dysplasia, Al-Gazali type; Hydrolethalus syndrome 2. Last evaluated: 2024-04-25. Review status: criteria provided, single submitter. Criteria: ACMG Guidelines, 2015. Collection method: clinical testing. Allele origin: germline.

Labcorp Genetics (formerly Invitae), Labcorp
Classification: Uncertain significance for Acrocallosal syndrome. Last evaluated: 2022-04-06. Review status: criteria provided, single submitter. Criteria: Invitae Variant Classification Sherloc (09022015). Collection method: clinical testing. Allele origin: germline.
Comment: This sequence change replaces glycine, which is neutral and non-polar, with aspartic acid, which is acidic and polar, at codon 577 of the KIF7 protein (p.Gly577Asp). This variant is not present in population databases (gnomAD no frequency). This variant has not been reported in the literature in individuals affected with KIF7-related conditions. Algorithms developed to predict the effect of missense changes on protein structure and function (SIFT, PolyPhen-2, Align-GVGD) all suggest that this variant is likely to be tolerated. In summary, the available evidence is currently insufficient to determine the role of this variant in disease. Therefore, it has been classified as a Variant of Uncertain Significance.